The following is an entry in ClinVar:

ClinVar aggregate classification (germline): Uncertain significance (1 of 4 stars; one submission).

Conditions:
Very long chain acyl-CoA dehydrogenase deficiency (ACADVLD). Also called: Very Long-Chain Acyl-Coenzyme A Dehydrogenase Deficiency; VLCAD Deficiency. Identifiers: Orphanet 26793, MedGen C3887523, MONDO:0008723, OMIM 201475.

Allele frequency attached by ClinVar (database versions not stated): gnomAD exomes below 0.00001; ExAC 0.00001.
gnomAD v4.1: 1 of 1,614,068 alleles (0.000062%); highest among the groups gnomAD compares: Non-Finnish European, 0.000085%; no homozygotes.

Submission:

Wong Mito Lab, Molecular and Human Genetics, Baylor College of Medicine
Classification: Uncertain significance for Very long chain acyl-CoA dehydrogenase deficiency. Last evaluated: 2019-11-01. Review status: criteria provided, single submitter. Criteria: ACMG Guidelines, 2015. Collection method: clinical testing. Allele origin: germline.
Comment: The NM_000018.3:c.1346A>G (NP_000009.1:p.Glu449Gly) [GRCH38: NC_000017.11:g.7223981A>G] variant in ACADVL gene is interpretated to be Uncertain Significance based on ACMG guidelines (PMID: 25741868). This variant has been reported. This variant meets the following evidence codes reported in the ACMG guidelines: PP3

NM_000018.4(ACADVL):c.1346A>G (p.Glu449Gly)

Gene: ACADVL (acyl-CoA dehydrogenase very long chain; plus strand). Cytogenetic location: 17p13.1.
Variant type: single nucleotide variant.
Coding change: c.1346A>G on transcript NM_000018.4 (MANE Select); coding-DNA position 1346, A replaced by G.
Protein change: p.Glu449Gly; replaces glutamic acid 449 with glycine.
Molecular consequence: missense variant.
Genome position (GRCh38, 1-based): chr17:7,223,981, A>G. VCF-style: chr17-7223981-A-G. GRCh37 (hg19) VCF-style: chr17-7127300-A-G.
Other names: c.1280A>G, p.Glu427Gly (NM_001033859.3); c.1415A>G, p.Glu472Gly (NM_001270447.2); c.1118A>G, p.Glu373Gly (NM_001270448.2); short protein forms E427G, E373G, E449G, E472G.
Identifiers: ClinVar variation 932766 (VCV000932766.2), dbSNP rs765346654, ClinGen allele CA8338088.